The following is an entry in ClinVar:

NM_002739.5(PRKCG):c.441C>T (p.Pro147=)

Gene: PRKCG (protein kinase C gamma; plus strand). Cytogenetic location: 19q13.42.
Variant type: single nucleotide variant.
Coding change: c.441C>T on transcript NM_002739.5 (MANE Select); coding-DNA position 441, C replaced by T.
Protein change: p.Pro147=; no amino-acid change (proline 147 retained).
Molecular consequence: synonymous variant.
Genome position (GRCh38, 1-based): chr19:53,889,929, C>T. VCF-style: chr19-53889929-C-T. GRCh37 (hg19) VCF-style: chr19-54393183-C-T.
Other names: c.441C>T (LRG_669t1); c.441C>T, p.Pro147= (NM_001316329.2).
Identifiers: ClinVar variation 330060 (VCV000330060.32), dbSNP rs764546467, ClinGen allele CA9640295.

ClinVar aggregate classification (germline): Likely benign. Review status: criteria provided, multiple submitters, no conflicts (2 of 4 stars). 2 submissions from 2 submitters: Likely benign (2). Last evaluated 2023-05-01.

Conditions:
Spinocerebellar ataxia type 14 (SCA14). Identifiers: Orphanet 98763, MedGen C1854369, MONDO:0011540, OMIM 605361.

Allele frequency attached by ClinVar (database versions not stated): TOPMed 0.00004; gnomAD 0.00005; gnomAD exomes 0.00007 and 0.00008; ExAC 0.00038.
gnomAD v4.1: 112 of 1,583,230 alleles (0.0071%); highest among the groups gnomAD compares: Non-Finnish European, 0.0076%; no homozygotes.

Submissions (2):

CeGaT Center for Human Genetics Tuebingen
Classification: Likely benign. Last evaluated: 2023-05-01. Review status: criteria provided, single submitter. Criteria: CeGaT Center For Human Genetics Tuebingen Variant Classification Criteria Version 2. Collection method: clinical testing. Allele origin: germline. Affected: yes. Observed: 1 variant allele.
Comment: PRKCG: BP4, BP7

Illumina Laboratory Services, Illumina
Classification: Likely benign for Spinocerebellar ataxia type 14. Last evaluated: 2018-01-12. Review status: criteria provided, single submitter. Criteria: ICSL Variant Classification Criteria 13 December 2019. Collection method: clinical testing. Allele origin: germline.
Comment: This variant was observed in the ICSL laboratory as part of a predisposition screen in an ostensibly healthy population. It had not been previously curated by ICSL or reported in the Human Gene Mutation Database (HGMD: prior to June 1st, 2018), and was therefore a candidate for classification through an automated scoring system. Utilizing variant allele frequency, disease prevalence and penetrance estimates, and inheritance mode, an automated score was calculated to assess if this variant is too frequent to cause the disease. Based on the score and internal cut-off values, a variant classified as likely benign is not then subjected to further curation. The score for this variant resulted in a classification of likely benign for this disease.